The following is an entry in ClinVar:

NM_006218.4(PIK3CA):c.1636C>G (p.Gln546Glu)

Gene: PIK3CA (phosphatidylinositol-4,5-bisphosphate 3-kinase catalytic subunit alpha; plus strand). Cytogenetic location: 3q26.32.
Variant type: single nucleotide variant.
Coding change: c.1636C>G on transcript NM_006218.4 (MANE Select); coding-DNA position 1636, C replaced by G.
Protein change: p.Gln546Glu; replaces glutamine 546 with glutamic acid.
Molecular consequence: missense variant.
Genome position (GRCh38, 1-based): chr3:179,218,306, C>G. VCF-style: chr3-179218306-C-G. GRCh37 (hg19) VCF-style: chr3-178936094-C-G.
Other names: c.1636C>G, p.Gln546Glu (LRG_310t1); short protein forms Q546E.
Identifiers: ClinVar variation 13654 (VCV000013654.2), dbSNP rs121913286, ClinGen allele CA123331.

ClinVar aggregate classification (germline): Likely pathogenic. Review status: criteria provided, single submitter (1 of 4 stars). 2 submissions from 2 submitters: Likely pathogenic (1). 1 of the submissions does not count toward it. Last evaluated 2024-09-09.

Conditions:
PIK3CA related overgrowth syndrome. Also called: PIK3CA-Related Segmental Overgrowth; PIK3CA related overgrowth spectrum. Identifiers: Orphanet 530313, MedGen C4728213, MONDO:1040002.
Breast adenocarcinoma. Also called: Breast cancer, somatic; Breast adenocarcinoma, somatic. Identifiers: MedGen C0858252, MONDO:0004988.

Submissions (2):

Clinical Genomics Laboratory, Washington University in St. Louis
Classification: Likely pathogenic for PIK3CA-related overgrowth syndrome. Last evaluated: 2024-09-09. Review status: criteria provided, single submitter. Criteria: Leon-Quintero et al. (Clin Genet. 2025). Collection method: clinical testing. Allele origin: somatic. Affected: yes.
Comment: A PIK3CA c.1636C>G (p.Gln546Glu) variant was identified at an allelic fraction consistent with somatic origin. This variant has been reported in a patient with overgrowth and capillary malformation (Mojarad B et al., 2023) as well as in numerous cases in the cancer database COSMIC (COSV55882350). It is absent from the general population (gnomAD v.4.1.0), indicating it is not a common variant. The PIK3CA c.1636C>G (p.Gln546Glu) variant resides within the helical domain of the protein and other variants at the same codon, p.Gln546Lys, p.Gln546Leu, p.Gln546Pro, p.Gln546Arg, p.Gln546His, have been reported and are considered likely pathogenic or pathogenic (ClinVar ID's: 13657, 375899, 375898, 45466, 376491). Functional studies show increased cell survival and transforming ability in culture, indicating that this variant impacts protein function (Dogruluk T et al., PMID: 26627007;Ng PK et al, PMID: 29533785). The PIK3CA gene is defined by the ClinGen Brain Malformations expert panel as a gene that has a low rate of benign missense variation and where pathogenic missense variants are a common mechanism of disease.Based on available information and an internally developed protocol informed by the ACMG/AMP guidelines for variant interpretation and gene-specific practices from the ClinGen Criteria Specification Registry (Leon-Quintero FZ et al., PMID: 39434542), the PIK3CA c.1636C>G (p.Gln546Glu) variant is classified as likely pathogenic.

OMIM
Classification: Pathogenic for BREAST CANCER, SOMATIC. Last evaluated: 2004-11-01. Review status: no assertion criteria provided. Collection method: literature only. Allele origin: somatic. Not counted in ClinVar's aggregate classification.

Literature cited by the submitters: PubMed 15520168 (cited by OMIM).